The following is an entry in ClinVar:

NM_002474.3(MYH11):c.4699G>T (p.Val1567Phe)

Genes: MYH11 (myosin heavy chain 11; minus strand), NDE1 (nudE neurodevelopment protein 1; plus strand). Cytogenetic location: 16p13.11.
Variant type: single nucleotide variant.
Coding change: c.4699G>T on transcript NM_002474.3 (MANE Select); coding-DNA position 4699, G replaced by T.
Protein change: p.Val1567Phe; replaces valine 1567 with phenylalanine.
Molecular consequence: missense variant. On other transcripts: intron variant (2).
Genome position (GRCh38, 1-based): chr16:15,720,931, C>A on the plus strand (G>T on the coding strand, the complement: MYH11 is on the minus strand). VCF-style: chr16-15720931-C-A. GRCh37 (hg19) VCF-style: chr16-15814788-C-A.
Other names: c.4720G>T, p.Val1574Phe (NM_001040113.2, NM_001040114.2); c.4699G>T, p.Val1567Phe (NM_022844.3); c.948-3260C>A (NM_001143979.2, NM_017668.3); short protein forms V1567F, V1574F.
Identifiers: ClinVar variation 1318528 (VCV001318528.2), dbSNP rs2151208581, ClinGen allele CA394853948.

ClinVar aggregate classification (germline): Uncertain significance (1 of 4 stars; one submission).

Submission:

GeneDx
Classification: Uncertain significance. Last evaluated: 2020-06-30. Review status: criteria provided, single submitter. Criteria: GeneDx Variant Classification Process June 2021. Collection method: clinical testing. Allele origin: germline. Affected: yes.
Comment: Has not been previously published as pathogenic or benign to our knowledge; Not observed in large population cohorts (Lek et al., 2016); In silico analysis supports that this missense variant has a deleterious effect on protein structure/function